The following is an entry in ClinVar:

ClinVar aggregate classification (germline): Likely pathogenic (1 of 4 stars; one submission).

Conditions:
Pontocerebellar hypoplasia type 6 (PCH6). Identifiers: Orphanet 166073, MedGen C1969084, MONDO:0012683, OMIM 611523.

Submission:

Natera, Inc.
Classification: Likely pathogenic for Pontocerebellar hypoplasia, type 6. Last evaluated: 2025-02-03. Review status: criteria provided, single submitter. Criteria: Natera Variant Classification Schema (03/2026). Collection method: clinical testing. Allele origin: germline.
Comment: The c.1405del variant in RARS2 is a frameshift variant predicted to shift the reading frame beginning at codon 469 and leads to a stop codon 14 codons downstream. This variant is expected to result in nonsense mediated decay, truncation, or a dysfunctional protein product. This variant is rare in the general population with a frequency below the threshold expected for the associated phenotype(s). Given the available evidence, this variant is classified as Likely Pathogenic.

NM_020320.5(RARS2):c.1405del (p.Arg469fs)

Gene: RARS2 (arginyl-tRNA synthetase 2, mitochondrial; minus strand). Cytogenetic location: 6q15.
Variant type: Deletion.
Coding change: c.1405del on transcript NM_020320.5 (MANE Select); coding-DNA position 1405, one base deleted (C; older notation c.1405delC).
Protein change: p.Arg469fs; shifts the reading frame from arginine 469.
Molecular consequence: frameshift variant. On other transcripts: non-coding transcript variant (23).
Genome position (GRCh38, 1-based): chr6:87,518,640, G deleted on the plus strand (C on the coding strand, the reverse complement: RARS2 is on the minus strand); the first of 3 consecutive G bases (chr6:87,518,640-87,518,642); deleting any one gives the same sequence. VCF-style (leftmost placement, unchanged base first): chr6-87518639-CG-C. GRCh37 (hg19) VCF-style: chr6-88228357-CG-C.
Other names: c.880del, p.Arg294fs (NM_001318785.2, NM_001350506.2, NM_001350507.2 and 4 more transcripts); c.1405del, p.Arg469fs (NM_001350505.2); short protein forms R294fs, R469fs.
Identifiers: ClinVar variation 4060758 (VCV004060758.2).